The following is an entry in ClinVar:

ClinVar aggregate classification (germline): Uncertain significance (1 of 4 stars; one submission).

gnomAD v4.1: 21 of 1,614,034 alleles (0.0013%); highest among the groups gnomAD compares: Non-Finnish European, 0.0018%; no homozygotes.

Submission:

Greenwood Genetic Center Diagnostic Laboratories, Greenwood Genetic Center
Classification: Uncertain significance. Last evaluated: 2024-05-30. Review status: criteria provided, single submitter. Criteria: ACMG Guidelines, 2015. Collection method: clinical testing. Allele origin: germline. Affected: yes.
Comment: PM2, BP4, PP2

NM_001256071.3(RNF213):c.1971G>T (p.Glu657Asp)

Gene: RNF213 (ring finger protein 213; plus strand). Cytogenetic location: 17q25.3.
Variant type: single nucleotide variant.
Coding change: c.1971G>T on transcript NM_001256071.3 (MANE Select); coding-DNA position 1971, G replaced by T.
Protein change: p.Glu657Asp; replaces glutamic acid 657 with aspartic acid.
Molecular consequence: missense variant.
Genome position (GRCh38, 1-based): chr17:80,295,772, G>T. VCF-style: chr17-80295772-G-T. GRCh37 (hg19) VCF-style: chr17-78269572-G-T.
Other names: c.2118G>T, p.Glu706Asp (NM_001410195.1, NM_020914.5); c.1971G>T, p.Glu657Asp (NM_020954.4); short protein forms E657D, E706D.
Identifiers: ClinVar variation 3338531 (VCV003338531.1).